The following is an entry in ClinVar:

NM_020877.5(DNAH2):c.5191C>A (p.Leu1731Ile)

Gene: DNAH2 (dynein axonemal heavy chain 2; plus strand). Cytogenetic location: 17p13.1.
Variant type: single nucleotide variant.
Coding change: c.5191C>A on transcript NM_020877.5 (MANE Select); coding-DNA position 5191, C replaced by A.
Protein change: p.Leu1731Ile; replaces leucine 1731 with isoleucine.
Molecular consequence: missense variant.
Genome position (GRCh38, 1-based): chr17:7,777,578, C>A. VCF-style: chr17-7777578-C-A. GRCh37 (hg19) VCF-style: chr17-7680896-C-A.
Other names: short protein forms L1731I.
Identifiers: ClinVar variation 3841092 (VCV003841092.2).

ClinVar aggregate classification (germline): Uncertain significance. Review status: criteria provided, multiple submitters, no conflicts (2 of 4 stars). 2 submissions from 2 submitters: Uncertain significance (2). Last evaluated 2026-08-06.

Conditions:
Inborn genetic diseases. Identifiers: MedGen C0950123, MeSH D030342.
Spermatogenic failure 45. Identifiers: MedGen C5436791, MONDO:0033671, OMIM 619094.

gnomAD v4.1: 33 of 1,614,170 alleles (0.002%); highest among the groups gnomAD compares: Non-Finnish European, 0.0027%; no homozygotes.

Submissions (2):

OLLIN Analises Genomicas, OLLIN
Classification: Uncertain significance for Spermatogenic failure 45. Last evaluated: 2026-08-06. Review status: criteria provided, single submitter. Criteria: ACMG Guidelines 2015 PMID 25741868. Collection method: clinical testing. Allele origin: germline. Inheritance: Autosomal recessive inheritance.
Comment: This missense variant, located in exon 33 (of 86), has been reported in ClinVar (accession VCV003841092.1) and in gnomAD with an allele frequency of 0.00204%. However, to our knowledge, it has not been reported in the scientific literature. In silico analysis predicts that this variant has a tolerated effect. According to the currently available evidence, this variant has been classified as uncertain significance (PM2_P, BP4_M).

Ambry Genetics
Classification: Uncertain significance for Inborn genetic diseases. Last evaluated: 2025-02-18. Review status: criteria provided, single submitter. Criteria: Ambry Variant Classification Scheme 2023. Collection method: clinical testing. Allele origin: germline.